The following is an entry in ClinVar:

ClinVar aggregate classification (germline): Uncertain significance (1 of 4 stars; one submission).

Submission:

GeneDx
Classification: Uncertain significance. Last evaluated: 2026-02-03. Review status: criteria provided, single submitter. Criteria: GeneDx Variant Classification Process June 2021. Collection method: clinical testing. Allele origin: germline.
Comment: Not observed at significant frequency in large population cohorts (gnomAD); In silico analysis supports that this missense variant has a deleterious effect on protein structure/function; Has not been previously published as pathogenic or benign to our knowledge; This variant is associated with the following publications: (PMID: 25512093, 25609763, 26100331)

NM_001376.5(DYNC1H1):c.11120G>A (p.Ser3707Asn)

Gene: DYNC1H1 (dynein cytoplasmic 1 heavy chain 1; plus strand). Cytogenetic location: 14q32.31.
Variant type: single nucleotide variant.
Coding change: c.11120G>A on transcript NM_001376.5 (MANE Select); coding-DNA position 11120, G replaced by A.
Protein change: p.Ser3707Asn; replaces serine 3707 with asparagine.
Molecular consequence: missense variant.
Genome position (GRCh38, 1-based): chr14:102,038,762, G>A. VCF-style: chr14-102038762-G-A. GRCh37 (hg19) VCF-style: chr14-102505099-G-A.
Other names: short protein forms S3707N.
Identifiers: ClinVar variation 4975840 (VCV004975840.1).